The following is an entry in ClinVar:

ClinVar aggregate classification (germline): Uncertain significance (1 of 4 stars; one submission).

Submission:

GeneDx
Classification: Uncertain significance. Last evaluated: 2026-02-05. Review status: criteria provided, single submitter. Criteria: GeneDx Variant Classification Process June 2021. Collection method: clinical testing. Allele origin: germline.
Comment: Not observed at significant frequency in large population cohorts (gnomAD); In silico analysis supports that this missense variant has a deleterious effect on protein structure/function; Has not been previously published as pathogenic or benign to our knowledge

NM_001123385.2(BCOR):c.4384G>A (p.Ala1462Thr)

Gene: BCOR (BCL6 corepressor; minus strand). Cytogenetic location: Xp11.4.
Variant type: single nucleotide variant.
Coding change: c.4384G>A on transcript NM_001123385.2 (MANE Select); coding-DNA position 4384, G replaced by A.
Protein change: p.Ala1462Thr; replaces alanine 1462 with threonine.
Molecular consequence: missense variant.
Genome position (GRCh38, 1-based): chrX:40,062,183, C>T on the plus strand (G>A on the coding strand, the complement: BCOR is on the minus strand). VCF-style: chrX-40062183-C-T. GRCh37 (hg19) VCF-style: chrX-39921436-C-T.
Other names: c.4282G>A, p.Ala1428Thr (NM_001123383.2, NM_001438208.1, NM_017745.6); c.4228G>A, p.Ala1410Thr (NM_001123384.2); c.4384G>A, p.Ala1462Thr (NM_001437510.1, NM_001437511.1); c.4330G>A, p.Ala1444Thr (NM_001438207.1); short protein forms A1410T, A1428T, A1444T, A1462T.
Identifiers: ClinVar variation 4975593 (VCV004975593.1).
Genomic context (GRCh38, chrX:40,062,183, plus strand): 5'-GCCCACAGGGACACACCTCATAGCCAAGCCTGGCTGCCCGCTGCAGAAGGGTCTCGCCAG[C>T]GTTCTTATTGACAATAAGTCTCCGTGCTTCCGGCGGCATAGGGCGAGACTGGGTGGTCTC-3'
Protein context (NP_001116857.1, residues 1452-1472): EARRLIVNKN[Ala1462Thr]GETLLQRAAR